The following is an entry in ClinVar:

NM_001355436.2(SPTB):c.5059dup (p.Glu1687fs)

Gene: SPTB (spectrin beta, erythrocytic; minus strand). Cytogenetic location: 14q23.3.
Variant type: Duplication.
Coding change: c.5059dup on transcript NM_001355436.2 (MANE Select); coding-DNA position 5059, one base duplicated (G; older notation c.5059dupG).
Protein change: p.Glu1687fs; shifts the reading frame from glutamic acid 1687.
Molecular consequence: frameshift variant.
Genome position (GRCh38, 1-based): chr14:64,773,339, C duplicated on the plus strand (G on the coding strand, the reverse complement: SPTB is on the minus strand); the first of 2 consecutive C bases (chr14:64,773,339-64,773,340); duplicating either gives the same sequence. VCF-style (leftmost placement, unchanged base first): chr14-64773338-T-TC. GRCh37 (hg19) VCF-style: chr14-65240056-T-TC.
Other names: c.5059dup, p.Glu1687fs (NM_001024858.4, NM_001355437.2); c.5059dupG (NM_001355436.2); short protein forms E1687fs.
Identifiers: ClinVar variation 1691226 (VCV001691226.2), dbSNP rs2503060918, ClinGen allele CA2580088485.

ClinVar aggregate classification (germline): Pathogenic (0 of 4 stars; one submission).

Conditions:
Hereditary spherocytosis type 2. Also called: SPHEROCYTOSIS, TYPE 2, AUTOSOMAL DOMINANT. Identifiers: Orphanet 822, MedGen C2674219, MONDO:0000913, OMIM 616649.

Submission:

Department of Medical Genetics, National Institute of Health
Classification: Pathogenic for Hereditary spherocytosis type 2. Last evaluated: 2021-09-13. Review status: no assertion criteria provided. Collection method: clinical testing. Allele origin: germline. Inheritance: Autosomal dominant inheritance. Affected: yes. Observed: 1 heterozygote.
Comment: Clinical exome sequencing identified a novel heterozygous NM_001355436.2(SPTB):c.5059dupG p.(Glu1687Glyfs*37) mutation in exon 25 of SPTB gene. This variant has not been reported in databases and also was not found in 138 Moroccan clinical exomes (in-house database). It classified as pathogenic variant according to the recommendation of ACMG. This variant is associated with hereditary Spherocytosis and familial Elliptocytosis.